The following is an entry in ClinVar:

NM_005529.7(HSPG2):c.10204G>A (p.Val3402Met)

Gene: HSPG2 (heparan sulfate proteoglycan 2; minus strand). Cytogenetic location: 1p36.12.
Variant type: single nucleotide variant.
Coding change: c.10204G>A on transcript NM_005529.7 (MANE Select); coding-DNA position 10204, G replaced by A.
Protein change: p.Val3402Met; replaces valine 3402 with methionine.
Molecular consequence: missense variant.
Genome position (GRCh38, 1-based): chr1:21,836,953, C>T on the plus strand (G>A on the coding strand, the complement: HSPG2 is on the minus strand). VCF-style: chr1-21836953-C-T. GRCh37 (hg19) VCF-style: chr1-22163446-C-T.
Other names: c.10207G>A, p.Val3403Met (NM_001291860.2); short protein forms V3402M, V3403M.
Identifiers: ClinVar variation 295745 (VCV000295745.21), dbSNP rs150666616, ClinGen allele CA670195.

ClinVar aggregate classification (germline): Conflicting classifications of pathogenicity. Review status: criteria provided, conflicting classifications (1 of 4 stars). 5 submissions from 4 submitters: Uncertain significance (4); Likely benign (1). Last evaluated 2025-11-03.

Conditions:
Lethal Kniest-like syndrome (DDSH). Also called: Dyssegmental Dysplasia. Identifiers: Orphanet 1865, MedGen C1857100, MONDO:0009140, OMIM 224410.
Schwartz-Jampel syndrome. Also called: Myotonic myopathy dwarfism chondrodystrophy and ocular and facial abnormalities. Identifiers: Orphanet 800, MedGen C0036391, MONDO:0009717.

Allele frequency attached by ClinVar (database versions not stated): TOPMed 0.00003; 1000 Genomes Project 0.00100; 1000 Genomes Project 30x 0.00141.
gnomAD v4.1: 321 of 1,555,658 alleles (0.021%); highest among the groups gnomAD compares: South Asian, 0.27%; 4 homozygotes.

Submissions (5):

Labcorp Genetics (formerly Invitae), Labcorp
Classification: Likely benign. Last evaluated: 2025-11-03. Review status: criteria provided, single submitter. Criteria: Invitae Variant Classification Sherloc (09022015). Collection method: clinical testing. Allele origin: germline.

Revvity Omics, Revvity
Classification: Uncertain significance. Last evaluated: 2021-05-19. Review status: criteria provided, single submitter. Criteria: ACMG Guidelines, 2015. Collection method: clinical testing. Allele origin: germline.

ARUP Laboratories, Molecular Genetics and Genomics, ARUP Laboratories
Classification: Uncertain significance. Last evaluated: 2018-02-02. Review status: criteria provided, single submitter. Criteria: ARUP Molecular Germline Variant Investigation Process. Collection method: clinical testing. Allele origin: germline.
Comment: The HSPG2 c.10204G>A; p.Val3402Met variant (rs150666616), to our knowledge, is not reported in the medical literature, gene specific variation databases, nor has it been previously identified by our laboratory. This variant is listed in the genome Aggregation Database (gnomAD) with a South Asian population frequency of 0.3% (identified on 61 out of 23,120 chromosomes) and is classified as a variant of uncertain signifiance in ClinVar (ID: 295745). The valine at position 3402 is moderately conserved, considering 12 species, and computational analyses of the effects of the p.Val3402Met variant on protein structure and function predict a deleterious effect (SIFT: damaging, MutationTaster: disease causing, PolyPhen-2: pathogenic). Based on the available information, the clinical significance of the p.Val3402Met variant cannot be determined with certainty.

Illumina Laboratory Services, Illumina
Classification: Uncertain significance for Schwartz-Jampel syndrome type 1. Last evaluated: 2018-01-13. Review status: criteria provided, single submitter. Criteria: ICSL Variant Classification Criteria 13 December 2019. Collection method: clinical testing. Allele origin: germline.

Illumina Laboratory Services, Illumina
Classification: Uncertain significance for Lethal Kniest-like syndrome. Last evaluated: 2018-01-13. Review status: criteria provided, single submitter. Criteria: ICSL Variant Classification Criteria 13 December 2019. Collection method: clinical testing. Allele origin: germline.